The following is an entry in ClinVar:

NM_002461.3(MVD):c.71-2A>C

Gene: MVD (mevalonate diphosphate decarboxylase; minus strand). Cytogenetic location: 16q24.2.
Variant type: single nucleotide variant.
Coding change: c.71-2A>C on transcript NM_002461.3 (MANE Select); the canonical splice acceptor site of the intron before coding-DNA position 71, A replaced by C.
Molecular consequence: splice acceptor variant.
Genome position (GRCh38, 1-based): chr16:88,658,722, T>G on the plus strand (A>C on the coding strand, the complement: MVD is on the minus strand). VCF-style: chr16-88658722-T-G. GRCh37 (hg19) VCF-style: chr16-88725130-T-G.
Identifiers: ClinVar variation 3350259 (VCV003350259.1).

ClinVar aggregate classification (germline): Likely pathogenic (0 of 4 stars; one submission).

Conditions:
MVD-related disorder. Also called: MVD-related condition.

gnomAD v4.1: 1 of 1,610,890 alleles (0.000062%); highest among the groups gnomAD compares: Non-Finnish European, 0.000085%; no homozygotes.

Submission:

PreventionGenetics, part of Exact Sciences
Classification: Likely pathogenic for MVD-related condition. Last evaluated: 2024-03-20. Review status: no assertion criteria provided. Collection method: clinical testing. Allele origin: germline.
Comment: The MVD c.71-2A>C variant is predicted to disrupt the AG splice acceptor site and interfere with normal splicing. To our knowledge, this variant has not been reported in the literature or in a large population database, indicating this variant is rare. Variants that disrupt the consensus splice acceptor site in MVD are expected to be pathogenic. This variant is interpreted as likely pathogenic.